The following is an entry in ClinVar:

NM_014975.3(MAST1):c.2180A>G (p.Lys727Arg)

Genes: MAST1 (microtubule associated serine/threonine kinase 1; plus strand), LOC112543452 (Sharpr-MPRA regulatory region 6054; plus strand). Cytogenetic location: 19p13.13.
Variant type: single nucleotide variant.
Coding change: c.2180A>G on transcript NM_014975.3 (MANE Select); coding-DNA position 2180, A replaced by G.
Protein change: p.Lys727Arg; replaces lysine 727 with arginine.
Molecular consequence: missense variant.
Genome position (GRCh38, 1-based): chr19:12,867,514, A>G. VCF-style: chr19-12867514-A-G. GRCh37 (hg19) VCF-style: chr19-12978328-A-G.
Other names: short protein forms K727R.
Identifiers: ClinVar variation 1380574 (VCV001380574.6), dbSNP rs1970169917, ClinGen allele CA404277060.

ClinVar aggregate classification (germline): Uncertain significance (1 of 4 stars; one submission).

Allele frequency attached by ClinVar (database versions not stated): gnomAD exomes below 0.00001.

Submission:

Labcorp Genetics (formerly Invitae), Labcorp
Classification: Uncertain significance. Last evaluated: 2024-11-22. Review status: criteria provided, single submitter. Criteria: Invitae Variant Classification Sherloc (09022015). Collection method: clinical testing. Allele origin: germline.
Comment: This sequence change replaces lysine, which is basic and polar, with arginine, which is basic and polar, at codon 727 of the MAST1 protein (p.Lys727Arg). This variant is not present in population databases (gnomAD no frequency). This variant has not been reported in the literature in individuals affected with MAST1-related conditions. ClinVar contains an entry for this variant (Variation ID: 1380574). An algorithm developed to predict the effect of missense changes on protein structure and function outputs the following: PolyPhen-2: "Benign". The arginine amino acid residue is found in multiple mammalian species, which suggests that this missense change does not adversely affect protein function. In summary, the available evidence is currently insufficient to determine the role of this variant in disease. Therefore, it has been classified as a Variant of Uncertain Significance.